The following is an entry in ClinVar:

ClinVar aggregate classification (germline): Likely benign. Review status: criteria provided, multiple submitters, no conflicts (2 of 4 stars). 3 submissions from 3 submitters: Likely benign (3). Last evaluated 2025-08-16.

Conditions:
Familial thoracic aortic aneurysm and aortic dissection (TAAD). Also called: Thoracic aortic aneurysms and dissections. Identifiers: Orphanet 91387, MedGen C4707243, MONDO:0019625.
Congenital contractural arachnodactyly (CCA). Also called: BEALS SYNDROME; Beals-Hecht syndrome; Arthrogryposis, distal, type 9. Identifiers: Orphanet 115, MedGen C0220668, MONDO:0007363, OMIM 121050.

Allele frequency attached by ClinVar (database versions not stated): gnomAD 0.00001 and 0.00003; TOPMed 0.00001; gnomAD exomes 0.00005; ExAC 0.00007; 1000 Genomes Project 30x 0.00016; 1000 Genomes Project 0.00020.
gnomAD v4.1: 52 of 1,613,974 alleles (0.0032%); highest among the groups gnomAD compares: South Asian, 0.034%; 1 homozygote.

Submissions (3):

Labcorp Genetics (formerly Invitae), Labcorp
Classification: Likely benign for Congenital contractural arachnodactyly. Last evaluated: 2025-08-16. Review status: criteria provided, single submitter. Criteria: Invitae Variant Classification Sherloc (09022015). Collection method: clinical testing. Allele origin: germline.

Ambry Genetics
Classification: Likely benign for Familial thoracic aortic aneurysm and aortic dissection. Last evaluated: 2023-01-19. Review status: criteria provided, single submitter. Criteria: Ambry Variant Classification Scheme 2023. Collection method: clinical testing. Allele origin: germline.

Illumina Laboratory Services, Illumina
Classification: Likely benign for Congenital contractural arachnodactyly. Last evaluated: 2018-01-13. Review status: criteria provided, single submitter. Criteria: ICSL Variant Classification Criteria 13 December 2019. Collection method: clinical testing. Allele origin: germline.
Comment: This variant was observed in the ICSL laboratory as part of a predisposition screen in an ostensibly healthy population. It had not been previously curated by ICSL or reported in the Human Gene Mutation Database (HGMD: prior to June 1st, 2018), and was therefore a candidate for classification through an automated scoring system. Utilizing variant allele frequency, disease prevalence and penetrance estimates, and inheritance mode, an automated score was calculated to assess if this variant is too frequent to cause the disease. Based on the score and internal cut-off values, a variant classified as likely benign is not then subjected to further curation. The score for this variant resulted in a classification of likely benign for this disease.

NM_001999.4(FBN2):c.8574G>A (p.Thr2858=)

Gene: FBN2 (fibrillin 2; minus strand). Cytogenetic location: 5q23.3.
Variant type: single nucleotide variant.
Coding change: c.8574G>A on transcript NM_001999.4 (MANE Select); coding-DNA position 8574, G replaced by A.
Protein change: p.Thr2858=; no amino-acid change (threonine 2858 retained).
Molecular consequence: synonymous variant.
Genome position (GRCh38, 1-based): chr5:128,259,620, C>T on the plus strand (G>A on the coding strand, the complement: FBN2 is on the minus strand). VCF-style: chr5-128259620-C-T. GRCh37 (hg19) VCF-style: chr5-127595312-C-T.
Identifiers: ClinVar variation 350757 (VCV000350757.14), dbSNP rs573245869, ClinGen allele CA3393784.